The following is an entry in ClinVar:

ClinVar aggregate classification (germline): Uncertain significance (1 of 4 stars; one submission).

gnomAD v4.1: 2 of 1,595,366 alleles (0.00013%); highest among the groups gnomAD compares: Admixed American, 0.0017%; no homozygotes.

Submission:

Labcorp Genetics (formerly Invitae), Labcorp
Classification: Uncertain significance. Last evaluated: 2025-07-01. Review status: criteria provided, single submitter. Criteria: Invitae Variant Classification Sherloc (09022015). Collection method: clinical testing. Allele origin: germline.
Comment: This sequence change replaces alanine, which is neutral and non-polar, with valine, which is neutral and non-polar, at codon 2759 of the DCHS1 protein (p.Ala2759Val). The frequency data for this variant in the population databases is considered unreliable, as metrics indicate poor data quality at this position in the gnomAD database. This variant has not been reported in the literature in individuals affected with DCHS1-related conditions. Invitae Evidence Modeling of protein sequence and biophysical properties (such as structural, functional, and spatial information, amino acid conservation, physicochemical variation, residue mobility, and thermodynamic stability) indicates that this missense variant is not expected to disrupt DCHS1 protein function with a negative predictive value of 80%. In summary, the available evidence is currently insufficient to determine the role of this variant in disease. Therefore, it has been classified as a Variant of Uncertain Significance.

NM_003737.4(DCHS1):c.8276C>T (p.Ala2759Val)

Gene: DCHS1 (dachsous cadherin-related 1; minus strand). Cytogenetic location: 11p15.4.
Variant type: single nucleotide variant.
Coding change: c.8276C>T on transcript NM_003737.4 (MANE Select); coding-DNA position 8276, C replaced by T.
Protein change: p.Ala2759Val; replaces alanine 2759 with valine.
Molecular consequence: missense variant.
Genome position (GRCh38, 1-based): chr11:6,623,400, G>A on the plus strand (C>T on the coding strand, the complement: DCHS1 is on the minus strand). VCF-style: chr11-6623400-G-A. GRCh37 (hg19) VCF-style: chr11-6644631-G-A.
Other names: short protein forms A2759V.
Identifiers: ClinVar variation 4780608 (VCV004780608.1).
Genomic context (GRCh38, chr11:6,623,400, plus strand): 5'-TCTGTGTGCTCATAGTCAAAGGGCACTCGCGCACGCAACTCCCCTGTTGAGCTGTTCAGT[G>A]CAAATGCCTCACGGCCCTCAGGTCCTGGCCCAGCCTCCAACAGGCTGTAACGGAGCCTCC-3'
Protein context (NP_003728.1, residues 2749-2769): GPGPEGREAF[Ala2759Val]LNSSTGELRA